The following is an entry in ClinVar:

ClinVar aggregate classification (germline): Uncertain significance (1 of 4 stars; one submission).

Allele frequency attached by ClinVar (database versions not stated): TOPMed below 0.00001.
gnomAD v4.1: 4 of 1,613,938 alleles (0.00025%); highest among the groups gnomAD compares: Admixed American, 0.005%; no homozygotes.

Submission:

Labcorp Genetics (formerly Invitae), Labcorp
Classification: Uncertain significance. Last evaluated: 2025-08-03. Review status: criteria provided, single submitter. Criteria: Invitae Variant Classification Sherloc (09022015). Collection method: clinical testing. Allele origin: germline.
Comment: This sequence change replaces isoleucine, which is neutral and non-polar, with methionine, which is neutral and non-polar, at codon 316 of the CLUAP1 protein (p.Ile316Met). This variant is present in population databases (no rsID available, gnomAD 0.003%). This variant has not been reported in the literature in individuals affected with CLUAP1-related conditions. ClinVar contains an entry for this variant (Variation ID: 2069912). Invitae Evidence Modeling of protein sequence and biophysical properties (such as structural, functional, and spatial information, amino acid conservation, physicochemical variation, residue mobility, and thermodynamic stability) indicates that this missense variant is not expected to disrupt CLUAP1 protein function with a negative predictive value of 80%. In summary, the available evidence is currently insufficient to determine the role of this variant in disease. Therefore, it has been classified as a Variant of Uncertain Significance.

NM_015041.3(CLUAP1):c.948A>G (p.Ile316Met)

Gene: CLUAP1 (clusterin associated protein 1; plus strand). Cytogenetic location: 16p13.3.
Variant type: single nucleotide variant.
Coding change: c.948A>G on transcript NM_015041.3 (MANE Select); coding-DNA position 948, A replaced by G.
Protein change: p.Ile316Met; replaces isoleucine 316 with methionine.
Molecular consequence: missense variant.
Genome position (GRCh38, 1-based): chr16:3,530,587, A>G. VCF-style: chr16-3530587-A-G. GRCh37 (hg19) VCF-style: chr16-3580587-A-G.
Other names: c.948A>G, p.Ile316Met (NM_001330454.2); c.450A>G, p.Ile150Met (NM_024793.3); short protein forms I316M, I150M.
Identifiers: ClinVar variation 2069912 (VCV002069912.4), dbSNP rs982032527, ClinGen allele CA276943121.